The following is an entry in ClinVar:

NM_005732.4(RAD50):c.337A>G (p.Thr113Ala)

Gene: RAD50 (RAD50 double strand break repair protein; plus strand). Cytogenetic location: 5q31.1.
Variant type: single nucleotide variant.
Coding change: c.337A>G on transcript NM_005732.4 (MANE Select); coding-DNA position 337, A replaced by G.
Protein change: p.Thr113Ala; replaces threonine 113 with alanine.
Molecular consequence: missense variant.
Genome position (GRCh38, 1-based): chr5:132,575,900, A>G. VCF-style: chr5-132575900-A-G. GRCh37 (hg19) VCF-style: chr5-131911592-A-G.
Other names: short protein forms T113A.
Identifiers: ClinVar variation 527354 (VCV000527354.10), dbSNP rs1296665608, ClinGen allele CA360931370.

ClinVar aggregate classification (germline): Uncertain significance. Review status: criteria provided, multiple submitters, no conflicts (2 of 4 stars). 2 submissions from 2 submitters: Uncertain significance (2). Last evaluated 2023-05-23.

Conditions:
Hereditary cancer-predisposing syndrome. Also called: Neoplastic Syndromes, Hereditary; Tumor predisposition; Hereditary Cancer Syndrome; Hereditary neoplastic syndrome. Identifiers: Orphanet 140162, MedGen C0027672, MeSH D009386, MONDO:0015356.

Allele frequency attached by ClinVar (database versions not stated): gnomAD exomes below 0.00001.
gnomAD v4.1: 1 of 1,610,778 alleles (0.000062%); highest among the groups gnomAD compares: Non-Finnish European, 0.000085%; no homozygotes.

Submissions (2):

Ambry Genetics
Classification: Uncertain significance for Hereditary cancer-predisposing syndrome. Last evaluated: 2023-05-23. Review status: criteria provided, single submitter. Criteria: Ambry Variant Classification Scheme 2023. Collection method: clinical testing. Allele origin: germline.
Comment: The p.T113A variant (also known as c.337A>G), located in coding exon 3 of the RAD50 gene, results from an A to G substitution at nucleotide position 337. The threonine at codon 113 is replaced by alanine, an amino acid with similar properties. This amino acid position is conserved. In addition, this alteration is predicted to be tolerated by in silico analysis. Since supporting evidence is limited at this time, the clinical significance of this alteration remains unclear.

Labcorp Genetics (formerly Invitae), Labcorp
Classification: Uncertain significance for Hereditary cancer-predisposing syndrome. Last evaluated: 2023-01-30. Review status: criteria provided, single submitter. Criteria: Invitae Variant Classification Sherloc (09022015). Collection method: clinical testing. Allele origin: germline.
Comment: In summary, the available evidence is currently insufficient to determine the role of this variant in disease. Therefore, it has been classified as a Variant of Uncertain Significance. Advanced modeling of protein sequence and biophysical properties (such as structural, functional, and spatial information, amino acid conservation, physicochemical variation, residue mobility, and thermodynamic stability) performed at Invitae indicates that this missense variant is not expected to disrupt RAD50 protein function. ClinVar contains an entry for this variant (Variation ID: 527354). This variant has not been reported in the literature in individuals affected with RAD50-related conditions. This variant is present in population databases (no rsID available, gnomAD 0.0009%). This sequence change replaces threonine, which is neutral and polar, with alanine, which is neutral and non-polar, at codon 113 of the RAD50 protein (p.Thr113Ala).